The following is an entry in ClinVar:

ClinVar aggregate classification (germline): Pathogenic (1 of 4 stars; one submission).

Submission:

Labcorp Genetics (formerly Invitae), Labcorp
Classification: Pathogenic. Last evaluated: 2023-10-18. Review status: criteria provided, single submitter. Criteria: Invitae Variant Classification Sherloc (09022015). Collection method: clinical testing. Allele origin: germline.
Comment: This variant is a gross deletion of the genomic region encompassing exon(s) 20-22 of the RAB3GAP1 gene. This deletion is out-of-frame, and is expected to create a premature termination codon and result in an absent or disrupted protein product. Loss-of-function variants in RAB3GAP1 are known to be pathogenic (PMID: 23420520). This variant has not been reported in the literature in individuals affected with RAB3GAP1-related conditions. For these reasons, this variant has been classified as Pathogenic.

Literature cited by the submitters: PubMed 23420520.

NC_000002.11:g.(?_135920105)_(135920691_?)del

Gene: RAB3GAP1 (RAB3 GTPase activating protein catalytic subunit 1; plus strand). Cytogenetic location: 2q21.3.
Variant type: Deletion.
Identifiers: ClinVar variation 2425782 (VCV002425782.4).